The following is an entry in ClinVar:

NM_001164496.2(CFAP44):c.3942T>A (p.Asp1314Glu)

Genes: CFAP44 (cilia and flagella associated protein 44; minus strand), SPICE1-CFAP44 (SPICE1-CFAP44 readthrough (NMD candidate); minus strand). Cytogenetic location: 3q13.2.
Variant type: single nucleotide variant.
Coding change: c.3942T>A on transcript NM_001164496.2 (MANE Select); coding-DNA position 3942, T replaced by A.
Protein change: p.Asp1314Glu; replaces aspartic acid 1314 with glutamic acid.
Molecular consequence: missense variant.
Genome position (GRCh38, 1-based): chr3:113,330,342, A>T on the plus strand (T>A on the coding strand, the complement: CFAP44 is on the minus strand). VCF-style: chr3-113330342-A-T. GRCh37 (hg19) VCF-style: chr3-113049189-A-T.
Other names: short protein forms D1314E.
Identifiers: ClinVar variation 773132 (VCV000773132.7), dbSNP rs187266046, ClinGen allele CA2543684.

ClinVar aggregate classification (germline): Benign. Review status: criteria provided, multiple submitters, no conflicts (2 of 4 stars). 3 submissions from 3 submitters: Benign (2). 1 of the submissions does not count toward it. Last evaluated 2019-12-31.

Conditions:
CFAP44-related disorder. Also called: CFAP44-related condition.

Allele frequency attached by ClinVar (database versions not stated): 1000 Genomes Project 0.00100; 1000 Genomes Project 30x 0.00141; ExAC 0.00142; gnomAD 0.00159 and 0.00161; TOPMed 0.00166; gnomAD exomes 0.00185; ESP Exome Variant Server 0.00350.
gnomAD v4.1: 3,701 of 1,537,294 alleles (0.24%); highest among the groups gnomAD compares: Non-Finnish European, 0.28%; 4 homozygotes.

Submissions (3):

Labcorp Genetics (formerly Invitae), Labcorp
Classification: Benign. Last evaluated: 2019-12-31. Review status: criteria provided, single submitter. Criteria: Invitae Variant Classification Sherloc (09022015). Collection method: clinical testing. Allele origin: germline.

Breakthrough Genomics
Classification: Benign. Review status: criteria provided, single submitter. Criteria: ACMG Guidelines, 2015. Collection method: not provided. Allele origin: germline. Inheritance: Autosomal recessive inheritance. Affected: yes.

PreventionGenetics, part of Exact Sciences
Classification: Likely benign for CFAP44-related condition. Last evaluated: 2022-02-17. Review status: no assertion criteria provided. Collection method: clinical testing. Allele origin: germline. Not counted in ClinVar's aggregate classification.
Comment: This variant is classified as likely benign based on ACMG/AMP sequence variant interpretation guidelines (Richards et al. 2015 PMID: 25741868, with internal and published modifications).